The following is an entry in ClinVar:

ClinVar aggregate classification (germline): Uncertain significance (1 of 4 stars; one submission).

Submission:

GeneDx
Classification: Uncertain significance. Last evaluated: 2021-04-19. Review status: criteria provided, single submitter. Criteria: GeneDx Variant Classification Process June 2021. Collection method: clinical testing. Allele origin: germline. Affected: yes.
Comment: Initiation codon variant in a gene for which loss-of-function is not a known mechanism of disease; Not observed in large population cohorts (Lek et al., 2016); Has not been previously published as pathogenic or benign to our knowledge

NM_000719.7(CACNA1C):c.1A>G (p.Met1Val)

Gene: CACNA1C (calcium voltage-gated channel subunit alpha1 C; plus strand). Cytogenetic location: 12p13.33.
Variant type: single nucleotide variant.
Coding change: c.1A>G on transcript NM_000719.7 (MANE Select); coding-DNA position 1, A replaced by G.
Protein change: p.Met1Val; changes the start codon (methionine 1).
Molecular consequence: missense variant, initiator codon variant.
Genome position (GRCh38, 1-based): chr12:2,053,563, A>G. VCF-style: chr12-2053563-A-G. GRCh37 (hg19) VCF-style: chr12-2162729-A-G.
Other names: c.1A>G, p.Met1Val (NM_001129827.2, NM_001129829.2, NM_001129830.3 and 19 more transcripts); short protein forms M1V.
Identifiers: ClinVar variation 1314750 (VCV001314750.3), dbSNP rs931964122, ClinGen allele CA383650601.
Genomic context (GRCh38, chr12:2,053,563, plus strand): 5'-GGTGTTTTCACATTTCTTCCTCTTCGTGGCTGCTCCTCCTATTAAAACCATTTTTGGTCC[A>G]TGGTCAATGAGAATACGAGGATGTACATTCCAGAGGAAAACCACCAAGGTAAGGCTGGAC-3'
Protein context (NP_000710.5, residues 1-11): [Met1Val]VNENTRMYIP